The following is an entry in ClinVar:

ClinVar aggregate classification (germline): Uncertain significance (1 of 4 stars; one submission).

Conditions:
Combined immunodeficiency due to DOCK8 deficiency (HIES2). Also called: Hyper-IgE recurrent infection syndrome, autosomal recessive; HIES autosomal recessive; HYPER-IgE SYNDROME 2, AUTOSOMAL RECESSIVE, WITH RECURRENT INFECTIONS; DOCK8 Deficiency; HYPER-IgE RECURRENT INFECTION SYNDROME 2, AUTOSOMAL RECESSIVE. Identifiers: Orphanet 217390, MedGen C4722305, MONDO:0009478, OMIM 243700.

Submission:

3billion
Classification: Uncertain significance for Combined immunodeficiency due to DOCK8 deficiency. Last evaluated: 2025-11-06. Review status: criteria provided, single submitter. Criteria: ACMG Guidelines, 2015. Collection method: clinical testing. Allele origin: germline. Affected: yes.
Comment: The variant is not observed in the gnomAD v4.1.0 dataset. Predicted Consequence/Location: Intron variant In silico tools predict the variant to alter splicing and produce an abnormal transcript [SpliceAI: 0.27 (>=0.2, moderate evidence for spliceogenicity)]. Therefore, this variant is classified as VUS according to the recommendation of ACMG/AMP guideline.

NM_203447.4(DOCK8):c.3391-29T>C

Gene: DOCK8 (dedicator of cytokinesis 8; plus strand). Cytogenetic location: 9p24.3.
Variant type: single nucleotide variant.
Coding change: c.3391-29T>C on transcript NM_203447.4 (MANE Select); 29 bases into the intron before coding-DNA position 3391, T replaced by C.
Molecular consequence: intron variant.
Genome position (GRCh38, 1-based): chr9:406,901, T>C. VCF-style: chr9-406901-T-C. GRCh37 (hg19) VCF-style: chr9-406901-T-C.
Other names: c.3187-29T>C (NM_001193536.2); c.3091-29T>C (NM_001190458.2).
Identifiers: ClinVar variation 4854891 (VCV004854891.1).